The following is an entry in ClinVar:

ClinVar aggregate classification (germline): Uncertain significance (1 of 4 stars; one submission).

Conditions:
Inborn genetic diseases. Identifiers: MedGen C0950123, MeSH D030342.

Submission:

Ambry Genetics
Classification: Uncertain significance for Inborn genetic diseases. Last evaluated: 2025-06-21. Review status: criteria provided, single submitter. Criteria: Ambry Variant Classification Scheme 2023. Collection method: clinical testing. Allele origin: germline.
Comment: The p.M267V variant (also known as c.799A>G), located in coding exon 1 of the SAMD9L gene, results from an A to G substitution at nucleotide position 799. The methionine at codon 267 is replaced by valine, an amino acid with highly similar properties. This amino acid position is conserved. In addition, this alteration is predicted to be tolerated by in silico analysis. Based on the available evidence, the clinical significance of this variant remains unclear.

NM_152703.5(SAMD9L):c.799A>G (p.Met267Val)

Gene: SAMD9L (sterile alpha motif domain containing 9 like; minus strand). Cytogenetic location: 7q21.2.
Variant type: single nucleotide variant.
Coding change: c.799A>G on transcript NM_152703.5 (MANE Select); coding-DNA position 799, A replaced by G.
Protein change: p.Met267Val; replaces methionine 267 with valine.
Molecular consequence: missense variant.
Genome position (GRCh38, 1-based): chr7:93,135,173, T>C on the plus strand (A>G on the coding strand, the complement: SAMD9L is on the minus strand). VCF-style: chr7-93135173-T-C. GRCh37 (hg19) VCF-style: chr7-92764486-T-C.
Other names: c.799A>G, p.Met267Val (NM_001303496.3, NM_001303497.3, NM_001303498.3 and 5 more transcripts); short protein forms M267V.
Identifiers: ClinVar variation 4159248 (VCV004159248.1).